The following is an entry in ClinVar:

NM_001142864.4(PIEZO1):c.3768_3769insA (p.Val1257fs)

Gene: PIEZO1 (piezo type mechanosensitive ion channel component 1 (Er blood group); minus strand). Cytogenetic location: 16q24.3.
Variant type: Insertion.
Coding change: c.3768_3769insA on transcript NM_001142864.4 (MANE Select); coding-DNA positions 3768 to 3769, A inserted.
Protein change: p.Val1257fs; shifts the reading frame from valine 1257.
Molecular consequence: frameshift variant.
Genome position: GRCh38 VCF-style: chr16-88726574-C-CT. GRCh37 (hg19) VCF-style: chr16-88792982-C-CT.
Other names: short protein forms V1257fs.
Identifiers: ClinVar variation 3906144 (VCV003906144.1).
Genomic context (GRCh38, chr16:88,726,574, plus strand): 5'-ACGCCCTCCCCCGCCACCGTCCTGGCCACTCACGGTCATAGTAGCCCTTGACGGTGCATA[C>CT]AAGGCTGAAGAGCTGGATGACCCAGCAGAAGCCGGTCTGCATCTGCTCCACGAAGACGCA-3'

ClinVar aggregate classification (germline): Likely pathogenic (1 of 4 stars; one submission).

Conditions:
Lymphatic malformation 6 (LMPHM6). Also called: GENERALIZED LYMPHATIC DYSPLASIA OF FOTIOU; Lymphedema, hereditary, III; PIEZO1-related generalized lymphatic dysplasia with non-immune hydrops fetalis. Identifiers: Orphanet 568062, MedGen C4225184, MONDO:0014797, OMIM 616843.

Submission:

Kasturba Medical College, Manipal, Kasturba Medical College, Manipal, Manipal Academy of Higher Education, Manipal, India
Classification: Likely pathogenic for Lymphatic malformation 6. Review status: criteria provided, single submitter. Criteria: ACMG Guidelines, 2015. Collection method: research. Allele origin: maternal. Inheritance: Autosomal recessive inheritance. Affected: yes. Observed: 1 heterozygote.
Comment: This variant is absent in the gnomAD (v4.1.0) population database, and in our in-house data of 3616 exomes. This variant is predicted to cause shift in the reading frame of the transcript which may either lead to nonsense-mediated mRNA decay (NMD) or formation of a truncated protein product.